The following is an entry in ClinVar:

ClinVar aggregate classification (germline): Uncertain significance. Review status: criteria provided, multiple submitters, no conflicts (2 of 4 stars). 6 submissions from 6 submitters: Uncertain significance (6). Last evaluated 2025-09-30.

Conditions:
Inborn genetic diseases. Identifiers: MedGen C0950123, MeSH D030342.
PDZD7-related disorder. Also called: PDZD7-related condition; PDZD7-related disorders.

Allele frequency attached by ClinVar (database versions not stated): ExAC 0.00007; gnomAD exomes 0.00016; gnomAD 0.00027; TOPMed 0.00032.

Submissions (6):

PreventionGenetics, part of Exact Sciences
Classification: Uncertain significance for PDZD7-related condition. Last evaluated: 2025-09-30. Review status: criteria provided, single submitter. Criteria: ACMG Guidelines, 2015. Collection method: clinical testing. Allele origin: germline.
Comment: The PDZD7 c.1171A>G variant is predicted to result in the amino acid substitution p.Ile391Val. To our knowledge, this variant has not been reported in the literature. This variant is reported in 0.11% of alleles in individuals of Latino descent in gnomAD. Although we suspect that this variant may be benign, at this time, the clinical significance of this variant is uncertain due to the absence of conclusive functional and genetic evidence.

Labcorp Genetics (formerly Invitae), Labcorp
Classification: Uncertain significance. Last evaluated: 2025-09-02. Review status: criteria provided, single submitter. Criteria: Invitae Variant Classification Sherloc (09022015). Collection method: clinical testing. Allele origin: germline.
Comment: This sequence change replaces isoleucine, which is neutral and non-polar, with valine, which is neutral and non-polar, at codon 391 of the PDZD7 protein (p.Ile391Val). This variant is present in population databases (rs767734855, gnomAD 0.1%). This variant has not been reported in the literature in individuals affected with PDZD7-related conditions. ClinVar contains an entry for this variant (Variation ID: 667310). Invitae Evidence Modeling of protein sequence and biophysical properties (such as structural, functional, and spatial information, amino acid conservation, physicochemical variation, residue mobility, and thermodynamic stability) indicates that this missense variant is not expected to disrupt PDZD7 protein function with a negative predictive value of 80%. In summary, the available evidence is currently insufficient to determine the role of this variant in disease. Therefore, it has been classified as a Variant of Uncertain Significance.

Blueprint Genetics
Classification: Uncertain significance. Last evaluated: 2024-04-12. Review status: criteria provided, single submitter. Criteria: ACMG Guidelines, 2015. Collection method: clinical testing. Allele origin: germline.

Ambry Genetics
Classification: Uncertain significance for Inborn genetic diseases. Last evaluated: 2024-03-07. Review status: criteria provided, single submitter. Criteria: Ambry Variant Classification Scheme 2023. Collection method: clinical testing. Allele origin: germline.

GeneDx
Classification: Uncertain significance. Last evaluated: 2021-06-30. Review status: criteria provided, single submitter. Criteria: GeneDx Variant Classification Process June 2021. Collection method: clinical testing. Allele origin: germline. Affected: yes.
Comment: In silico analysis supports that this missense variant does not alter protein structure/function; Has not been previously published as pathogenic or benign to our knowledge; This variant is associated with the following publications: (PMID: 20440071, 27535533)

Laboratory for Molecular Medicine, Mass General Brigham Personalized Medicine
Classification: Uncertain significance. Last evaluated: 2018-03-21. Review status: criteria provided, single submitter. Criteria: LMM Criteria. Collection method: clinical testing. Allele origin: germline. Observed: 1 variant allele.
Comment: Variant classified as Uncertain Significance - Favor Benign. The p.Ile391Val var iant in PDZD7 has not been previously reported in individuals with hearing loss or Usher syndrome, but has been identified in 0.11% (32/29252) of Latino chromos omes by the Genome Aggregation Database (gnomAD, g; dbSNP rs767734855). Although this variant has been seen in the general popula tion, its frequency is not high enough to rule out a pathogenic role. The Isoleu cine (Ile) at position 391 is not conserved, with 2 mammals having a Valine (Val ) at this position, raising the possibility that a change at this position may b e tolerated. Additional computational prediction tools suggest that the p.Ile391 Val variant may not impact the protein, though this information is not predictiv e enough to rule out pathogenicity. In summary, while the clinical significance of the p.Ile391Val variant is uncertain, the conservation and computational data suggest that it is more likely to be benign. ACMG/AMP Criteria applied: BP4.

NM_001195263.2(PDZD7):c.1171A>G (p.Ile391Val)

Gene: PDZD7 (PDZ domain containing 7; minus strand). Cytogenetic location: 10q24.31.
Variant type: single nucleotide variant.
Coding change: c.1171A>G on transcript NM_001195263.2 (MANE Select); coding-DNA position 1171, A replaced by G.
Protein change: p.Ile391Val; replaces isoleucine 391 with valine.
Molecular consequence: missense variant.
Genome position (GRCh38, 1-based): chr10:101,018,975, T>C on the plus strand (A>G on the coding strand, the complement: PDZD7 is on the minus strand). VCF-style: chr10-101018975-T-C. GRCh37 (hg19) VCF-style: chr10-102778732-T-C.
Other names: c.1171A>G, p.Ile391Val (NM_001351044.2, NM_024895.5); short protein forms I391V.
Identifiers: ClinVar variation 667310 (VCV000667310.16), dbSNP rs767734855, ClinGen allele CA5654148.